The following is an entry in ClinVar:

ClinVar aggregate classification (germline): Pathogenic (1 of 4 stars; one submission).

Submission:

Labcorp Genetics (formerly Invitae), Labcorp
Classification: Pathogenic. Last evaluated: 2022-08-01. Review status: criteria provided, single submitter. Criteria: Invitae Variant Classification Sherloc (09022015). Collection method: clinical testing. Allele origin: germline.
Comment: ClinVar contains an entry for this variant (Variation ID: 1455989). This sequence change creates a premature translational stop signal (p.Leu6Serfs*32) in the RDH5 gene. It is expected to result in an absent or disrupted protein product. Loss-of-function variants in RDH5 are known to be pathogenic (PMID: 11675386, 22815624). This variant is not present in population databases (gnomAD no frequency). This variant has not been reported in the literature in individuals affected with RDH5-related conditions. For these reasons, this variant has been classified as Pathogenic.

Literature cited by the submitters: PubMed 11675386; PubMed 22815624.

NM_002905.5(RDH5):c.15dup (p.Leu6fs)

Genes: BLOC1S1-RDH5 (BLOC1S1-RDH5 readthrough; plus strand), RDH5 (retinol dehydrogenase 5; plus strand). Cytogenetic location: 12q13.2.
Variant type: Duplication.
Coding change: c.15dup on transcript NM_002905.5 (MANE Select); coding-DNA position 15, one base duplicated (T; older notation c.15dupT).
Protein change: p.Leu6fs; shifts the reading frame from leucine 6.
Molecular consequence: frameshift variant.
Genome position (GRCh38, 1-based): chr12:55,721,199, T duplicated; the last of 2 consecutive T bases (chr12:55,721,198-55,721,199); duplicating either gives the same sequence. VCF-style (leftmost placement, unchanged base first): chr12-55721197-C-CT. GRCh37 (hg19) VCF-style: chr12-56114981-C-CT.
Other names: c.15dup, p.Leu6fs (NM_001199771.3); short protein forms L6fs.
Identifiers: ClinVar variation 1455989 (VCV001455989.6), dbSNP rs2136138688, ClinGen allele CA2573148796.